The following is an entry in ClinVar:

NM_001378454.1(ALMS1):c.12005G>A (p.Arg4002Gln)

Genes: ALMS1 (ALMS1 centrosome and basal body associated protein; plus strand), LOC126806252 (BRD4-independent group 4 enhancer GRCh37_chr2:73828496-73829695; plus strand). Cytogenetic location: 2p13.1.
Variant type: single nucleotide variant.
Coding change: c.12005G>A on transcript NM_001378454.1 (MANE Select); coding-DNA position 12005, G replaced by A.
Protein change: p.Arg4002Gln; replaces arginine 4002 with glutamine.
Molecular consequence: missense variant.
Genome position (GRCh38, 1-based): chr2:73,601,327, G>A. VCF-style: chr2-73601327-G-A. GRCh37 (hg19) VCF-style: chr2-73828454-G-A.
Other names: c.12008G>A, p.Arg4003Gln (NM_015120.4); short protein forms R4003Q, R4002Q.
Identifiers: ClinVar variation 550734 (VCV000550734.12), dbSNP rs375923289, ClinGen allele CA1715401.

ClinVar aggregate classification (germline): Uncertain significance. Review status: criteria provided, multiple submitters, no conflicts (2 of 4 stars). 5 submissions from 5 submitters: Uncertain significance (3). 2 of the submissions do not count toward it. Last evaluated 2024-02-12.

Conditions:
Cardiovascular phenotype. Identifiers: MedGen CN230736.
Alstrom syndrome (ALMS). Identifiers: Orphanet 64, MedGen C0268425, MONDO:0008763, OMIM 203800.

Allele frequency attached by ClinVar (database versions not stated): gnomAD exomes 0.00002; ExAC 0.00003; TOPMed 0.00003; gnomAD 0.00007; ESP Exome Variant Server 0.00015; 1000 Genomes Project 30x 0.00016; 1000 Genomes Project 0.00020.
gnomAD v4.1: 37 of 1,614,180 alleles (0.0023%); highest among the groups gnomAD compares: African/African-American, 0.016%; no homozygotes.

Submissions (5):

Ambry Genetics
Classification: Uncertain significance for Cardiovascular phenotype. Last evaluated: 2024-02-12. Review status: criteria provided, single submitter. Criteria: Ambry Variant Classification Scheme 2023. Collection method: clinical testing. Allele origin: germline.
Comment: The p.R4003Q variant (also known as c.12008G>A), located in coding exon 19 of the ALMS1 gene, results from a G to A substitution at nucleotide position 12008. The arginine at codon 4003 is replaced by glutamine, an amino acid with highly similar properties. This amino acid position is highly conserved in available vertebrate species. In addition, the in silico prediction for this alteration is inconclusive. Since supporting evidence is limited at this time, the clinical significance of this alteration remains unclear.

Baylor Genetics
Classification: Uncertain significance for Alstrom syndrome. Last evaluated: 2022-11-07. Review status: criteria provided, single submitter. Criteria: ACMG Guidelines, 2015. Collection method: clinical testing. Allele origin: unknown.

Labcorp Genetics (formerly Invitae), Labcorp
Classification: Uncertain significance for Alstrom syndrome. Last evaluated: 2022-07-17. Review status: criteria provided, single submitter. Criteria: Invitae Variant Classification Sherloc (09022015). Collection method: clinical testing. Allele origin: germline.
Comment: This sequence change replaces arginine, which is basic and polar, with glutamine, which is neutral and polar, at codon 4003 of the ALMS1 protein (p.Arg4003Gln). This variant is present in population databases (rs375923289, gnomAD 0.01%). This variant has not been reported in the literature in individuals affected with ALMS1-related conditions. ClinVar contains an entry for this variant (Variation ID: 550734). Experimental studies and prediction algorithms are not available or were not evaluated, and the functional significance of this variant is currently unknown. In summary, the available evidence is currently insufficient to determine the role of this variant in disease. Therefore, it has been classified as a Variant of Uncertain Significance.

Natera, Inc.
Classification: Uncertain significance for Alstrom syndrome. Last evaluated: 2021-03-22. Review status: no assertion criteria provided. Collection method: clinical testing. Allele origin: germline. Not counted in ClinVar's aggregate classification.

Counsyl
Classification: Uncertain significance for Alstrom syndrome. Last evaluated: 2017-02-14. Review status: no assertion criteria provided. Collection method: clinical testing. Allele origin: unknown. Not counted in ClinVar's aggregate classification.